The following is an entry in ClinVar:

NM_006642.5(SDCCAG8):c.115G>A (p.Gly39Ser)

Gene: SDCCAG8 (SHH signaling and ciliogenesis regulator SDCCAG8; plus strand). Cytogenetic location: 1q43.
Variant type: single nucleotide variant.
Coding change: c.115G>A on transcript NM_006642.5 (MANE Select); coding-DNA position 115, G replaced by A.
Protein change: p.Gly39Ser; replaces glycine 39 with serine.
Molecular consequence: missense variant. On other transcripts: 5 prime UTR variant (4).
Genome position (GRCh38, 1-based): chr1:243,270,152, G>A. VCF-style: chr1-243270152-G-A. GRCh37 (hg19) VCF-style: chr1-243433454-G-A.
Other names: c.-998G>A (NM_001350246.2); c.-886G>A (NM_001350247.2); c.115G>A, p.Gly39Ser (NM_001350248.2); c.-180G>A (NM_001350249.2); c.-1259G>A (NM_001350251.2); c.115G>A (NM_006642.3); short protein forms G39S.
Identifiers: ClinVar variation 1466454 (VCV001466454.7), dbSNP rs756642876, ClinGen allele CA1483202.

ClinVar aggregate classification (germline): Uncertain significance. Review status: criteria provided, multiple submitters, no conflicts (2 of 4 stars). 3 submissions from 3 submitters: Uncertain significance (3). Last evaluated 2025-12-11.

Conditions:
Bardet-Biedl syndrome 16 (BBS16). Identifiers: Orphanet 110, MedGen C3889474, MONDO:0014444, OMIM 615993.
Senior-Loken syndrome 7 (SLSN7). Identifiers: Orphanet 3156, MedGen C3150877, MONDO:0013326, OMIM 613615.
SDCCAG8-related disorder. Also called: SDCCAG8-related condition; SDCCAG8-Related Disorders.

Allele frequency attached by ClinVar (database versions not stated): gnomAD exomes below 0.00001; TOPMed below 0.00001; ExAC 0.00001; gnomAD 0.00001.
gnomAD v4.1: 1 of 1,614,072 alleles (0.000062%); highest among the groups gnomAD compares: African/African-American, 0.0013%; no homozygotes.

Submissions (3):

PreventionGenetics, part of Exact Sciences
Classification: Uncertain significance for SDCCAG8-related condition. Last evaluated: 2025-12-11. Review status: criteria provided, single submitter. Criteria: ACMG Guidelines, 2015. Collection method: clinical testing. Allele origin: germline.
Comment: The SDCCAG8 c.115G>A variant is predicted to result in the amino acid substitution p.Gly39Ser. To our knowledge, this variant has not been reported in the literature. This variant is reported in 0.0080% of alleles in individuals of African descent in gnomAD. At this time, the clinical significance of this variant is uncertain due to the absence of conclusive functional and genetic evidence.

Fulgent Genetics
Classification: Uncertain significance for Senior-Loken syndrome 7; Bardet-Biedl syndrome 16. Last evaluated: 2022-02-24. Review status: criteria provided, single submitter. Criteria: ACMG Guidelines, 2015. Collection method: clinical testing. Allele origin: unknown.

Labcorp Genetics (formerly Invitae), Labcorp
Classification: Uncertain significance for Bardet-Biedl syndrome 16; Senior-Loken syndrome 7. Last evaluated: 2021-08-27. Review status: criteria provided, single submitter. Criteria: Invitae Variant Classification Sherloc (09022015). Collection method: clinical testing. Allele origin: germline.
Comment: This sequence change replaces glycine with serine at codon 39 of the SDCCAG8 protein (p.Gly39Ser). The glycine residue is weakly conserved and there is a small physicochemical difference between glycine and serine. This variant is present in population databases (rs756642876, ExAC 0.01%). This variant has not been reported in the literature in individuals affected with SDCCAG8-related conditions. Algorithms developed to predict the effect of missense changes on protein structure and function output the following: SIFT: "Tolerated"; PolyPhen-2: "Benign"; Align-GVGD: "Class C0". The serine amino acid residue is found in multiple mammalian species, which suggests that this missense change does not adversely affect protein function. In summary, the available evidence is currently insufficient to determine the role of this variant in disease. Therefore, it has been classified as a Variant of Uncertain Significance.